The following is an entry in ClinVar:

NM_031942.5(CDCA7):c.451G>T (p.Val151Leu)

Gene: CDCA7 (cell division cycle associated 7; plus strand). Cytogenetic location: 2q31.1.
Variant type: single nucleotide variant.
Coding change: c.451G>T on transcript NM_031942.5 (MANE Select); coding-DNA position 451, G replaced by T.
Protein change: p.Val151Leu; replaces valine 151 with leucine.
Molecular consequence: missense variant.
Genome position (GRCh38, 1-based): chr2:173,363,292, G>T. VCF-style: chr2-173363292-G-T. GRCh37 (hg19) VCF-style: chr2-174228020-G-T.
Other names: c.214G>T, p.Val72Leu (NM_145810.3); short protein forms V151L, V72L.
Identifiers: ClinVar variation 2100149 (VCV002100149.4), dbSNP rs1686658585, ClinGen allele CA349324369.

ClinVar aggregate classification (germline): Uncertain significance (1 of 4 stars; one submission).

Submission:

Labcorp Genetics (formerly Invitae), Labcorp
Classification: Uncertain significance. Last evaluated: 2023-12-22. Review status: criteria provided, single submitter. Criteria: Invitae Variant Classification Sherloc (09022015). Collection method: clinical testing. Allele origin: germline.
Comment: This sequence change replaces valine, which is neutral and non-polar, with leucine, which is neutral and non-polar, at codon 151 of the CDCA7 protein (p.Val151Leu). This variant is not present in population databases (gnomAD no frequency). This variant has not been reported in the literature in individuals affected with CDCA7-related conditions. ClinVar contains an entry for this variant (Variation ID: 2100149). Advanced modeling of protein sequence and biophysical properties (such as structural, functional, and spatial information, amino acid conservation, physicochemical variation, residue mobility, and thermodynamic stability) performed at Invitae indicates that this missense variant is not expected to disrupt CDCA7 protein function with a negative predictive value of 80%. In summary, the available evidence is currently insufficient to determine the role of this variant in disease. Therefore, it has been classified as a Variant of Uncertain Significance.